The following is an entry in ClinVar:

ClinVar aggregate classification (germline): Uncertain significance (1 of 4 stars; one submission).

Submission:

Labcorp Genetics (formerly Invitae), Labcorp
Classification: Uncertain significance. Last evaluated: 2023-09-05. Review status: criteria provided, single submitter. Criteria: Invitae Variant Classification Sherloc (09022015). Collection method: clinical testing. Allele origin: germline.
Comment: In summary, the available evidence is currently insufficient to determine the role of this variant in disease. Therefore, it has been classified as a Variant of Uncertain Significance. An algorithm developed to predict the effect of missense changes on protein structure and function (PolyPhen-2) suggests that this variant is likely to be tolerated. This variant has not been reported in the literature in individuals affected with CTNNA1-related conditions. This variant is not present in population databases (gnomAD no frequency). This sequence change replaces glutamic acid, which is acidic and polar, with alanine, which is neutral and non-polar, at codon 197 of the CTNNA1 protein (p.Glu197Ala).

NM_001903.5(CTNNA1):c.590A>C (p.Glu197Ala)

Gene: CTNNA1 (catenin alpha 1; plus strand). Cytogenetic location: 5q31.2.
Variant type: single nucleotide variant.
Coding change: c.590A>C on transcript NM_001903.5 (MANE Select); coding-DNA position 590, A replaced by C.
Protein change: p.Glu197Ala; replaces glutamic acid 197 with alanine.
Molecular consequence: missense variant.
Genome position (GRCh38, 1-based): chr5:138,824,531, A>C. VCF-style: chr5-138824531-A-C. GRCh37 (hg19) VCF-style: chr5-138160220-A-C.
Other names: c.590A>C, p.Glu197Ala (NM_001290307.3, NM_001323982.2, NM_001323983.1 and 3 more transcripts); c.281A>C, p.Glu94Ala (NM_001290309.3); c.221A>C, p.Glu74Ala (NM_001290310.3); short protein forms E197A, E74A, E94A.
Identifiers: ClinVar variation 2758092 (VCV002758092.3), dbSNP rs2532422940, ClinGen allele CA361129349.
Genomic context (GRCh38, chr5:138,824,531, plus strand): 5'-TATATGAGTAAAGCCCATATAAAGAGTGCTCCAATTTCTTGTTTTATTTACTCTTGTAGG[A>C]ATTGAAAGATGTTGGCCATCGTGATCAGATGGCTGCAGCTAGAGGAATCCTGCAGAAGAA-3'
Protein context (NP_001894.2, residues 187-207): LNIMAAKRQQ[Glu197Ala]LKDVGHRDQM